The following is an entry in ClinVar:

ClinVar aggregate classification (germline): Benign. Review status: reviewed by expert panel (3 of 4 stars). 2 submissions from 2 submitters: Benign (1). 1 of the submissions does not count toward it. Last evaluated 2025-02-25.

Conditions:
Hereditary thrombocytopenia and hematological cancer predisposition syndrome associated with RUNX1. Also called: PLATELET DISORDER, ASPIRIN-LIKE; RUNX1 Familial Platelet Disorder with Associated Myeloid Malignancies; Familial Platelet Disorder with Propensity to Acute Myelogenous Leukemia; Familial thrombocytopenia with propensity to acute myelogenous leukemia. Identifiers: Orphanet 71290, MedGen C1832388, MeSH C563324, MONDO:0100083, OMIM 601399.
Hereditary thrombocytopenia and hematologic cancer predisposition syndrome. Identifiers: Orphanet 71290, MedGen CN281654, MONDO:0011071.

Submissions (2):

ClinGen Myeloid Malignancy Variant Curation Expert Panel
Classification: Benign for Hereditary thrombocytopenia and hematologic cancer predisposition syndrome. Last evaluated: 2025-02-25. Review status: reviewed by expert panel. Criteria: ClinGen MyeloMalig ACMG Specifications v2. Collection method: curation. Allele origin: germline. Inheritance: Autosomal dominant inheritance.
Comment: NM_001754.5(RUNX1):c.1252A>T (p.Met418Leu) is a missense variant that has a MAF of 0.005069 (0.5%, 119/23476 alleles) in the East Asian subpopulation of the gnomAD cohort is ≥ 0.0015 (0.15%) (BA1). This missense variant has a REVEL score < 0.50 (0.219) and a SpliceAI score ≤ 0.20 (0.0) (BP4). In summary, this variant meets criteria to be classified as benign. ACMG/AMP criteria applied, as specified by the Myeloid Malignancy Variant Curation Expert Panel for RUNX1: BA1, BP4

ISTH-SSC Genomics in Thrombosis and Hemostasis, KU Leuven, Center for Molecular and Vascular Biology
Classification: Uncertain significance for Hereditary thrombocytopenia and hematological cancer predisposition syndrome associated with RUNX1. Review status: criteria provided, single submitter. Criteria: ACMG Guidelines, 2015. Collection method: clinical testing. Allele origin: germline. Affected: yes. Observed: 1 heterozygote. Not counted in ClinVar's aggregate classification.
Comment: Submitted to GoldVariant by Kathleen Freson, Center for Molecular and Vascular Biology, Leuven, Belgium

NM_001754.5(RUNX1):c.1252A>T (p.Met418Leu)

Gene: RUNX1 (RUNX family transcription factor 1; minus strand). Cytogenetic location: 21q22.12.
Variant type: single nucleotide variant.
Coding change: c.1252A>T on transcript NM_001754.5 (MANE Select); coding-DNA position 1252, A replaced by T.
Protein change: p.Met418Leu; replaces methionine 418 with leucine.
Molecular consequence: missense variant.
Genome position (GRCh38, 1-based): chr21:34,792,326, T>A on the plus strand (A>T on the coding strand, the complement: RUNX1 is on the minus strand). VCF-style: chr21-34792326-T-A. GRCh37 (hg19) VCF-style: chr21-36164623-T-A.
Other names: NM_001754.5(RUNX1):c.1252A>T; p.Met418Leu; c.1171A>T, p.Met391Leu (NM_001001890.3); short protein forms M391L, M418L.
Identifiers: ClinVar variation 1703790 (VCV001703790.2), dbSNP rs578042376, ClinGen allele CA410147644.